The following is an entry in ClinVar:

NM_005359.6(SMAD4):c.555A>T (p.Pro185=)

Gene: SMAD4 (SMAD family member 4; plus strand). Cytogenetic location: 18q21.2.
Variant type: single nucleotide variant.
Coding change: c.555A>T on transcript NM_005359.6 (MANE Select); coding-DNA position 555, A replaced by T.
Protein change: p.Pro185=; no amino-acid change (proline 185 retained).
Molecular consequence: synonymous variant. On other transcripts: non-coding transcript variant (2).
Genome position (GRCh38, 1-based): chr18:51,054,881, A>T. VCF-style: chr18-51054881-A-T. GRCh37 (hg19) VCF-style: chr18-48581251-A-T.
Other names: c.555A>T, p.Pro185= (NM_001407041.1, NM_001407042.1, NM_001407043.1).
Identifiers: ClinVar variation 3903920 (VCV003903920.1).

ClinVar aggregate classification (germline): Benign (1 of 4 stars; one submission).

Conditions:
Juvenile polyposis/hereditary hemorrhagic telangiectasia syndrome (JPHT). Also called: JP/HHT SYNDROME; JUVENILE POLYPOSIS WITH HEREDITARY HEMORRHAGIC TELANGIECTASIA; POLYPOSIS, GENERALIZED JUVENILE, WITH PULMONARY ARTERIOVENOUS MALFORMATION; TELANGIECTASIA, HEREDITARY HEMORRHAGIC, WITH JUVENILE POLYPOSIS COLI; Juvenile Polyposis Syndrome / Hereditary Hemorrhagic Telangiectasia (JPS/HHT). Identifiers: Orphanet 2929, MedGen C1832942, MONDO:0008278, OMIM 175050.

Submission:

Myriad Genetics, Inc.
Classification: Benign for Juvenile polyposis/hereditary hemorrhagic telangiectasia syndrome. Last evaluated: 2025-03-19. Review status: criteria provided, single submitter. Criteria: Myriad Autosomal Dominant, Autosomal Recessive and X-Linked Classification Criteria (2023). Collection method: clinical testing. Allele origin: unknown.
Comment: This variant is considered benign. This variant is a silent/synonymous amino acid change and it is not expected to impact splicing.